The following is an entry in ClinVar:

NM_001267550.2(TTN):c.16333A>C (p.Ile5445Leu)

Gene: TTN (titin; minus strand). Cytogenetic location: 2q31.2.
Variant type: single nucleotide variant.
Coding change: c.16333A>C on transcript NM_001267550.2 (MANE Select); coding-DNA position 16333, A replaced by C.
Protein change: p.Ile5445Leu; replaces isoleucine 5445 with leucine.
Molecular consequence: missense variant. On other transcripts: intron variant (3).
Genome position (GRCh38, 1-based): chr2:178,732,843, T>G on the plus strand (A>C on the coding strand, the complement: TTN is on the minus strand). VCF-style: chr2-178732843-T-G. GRCh37 (hg19) VCF-style: chr2-179597570-T-G.
Other names: c.15382A>C, p.Ile5128Leu (NM_001256850.1); c.12601A>C, p.Ile4201Leu (NM_133378.4); c.13282+5239A>C (NM_003319.4); c.13858+5239A>C (NM_133437.4); c.13657+5239A>C (NM_133432.3); short protein forms I4201L, I5128L, I5445L.
Identifiers: ClinVar variation 4076582 (VCV004076582.1).

ClinVar aggregate classification (germline): Uncertain significance (1 of 4 stars; one submission).

gnomAD v4.1: 3 of 1,609,582 alleles (0.00019%); highest among the groups gnomAD compares: Non-Finnish European, 0.00025%; no homozygotes.

Submission:

GeneDx
Classification: Uncertain significance. Last evaluated: 2025-02-20. Review status: criteria provided, single submitter. Criteria: GeneDx Variant Classification Process June 2021. Collection method: clinical testing. Allele origin: germline. Affected: yes.
Comment: Not observed at significant frequency in large population cohorts (gnomAD); Missense variant in a gene in which most reported pathogenic variants are truncating/loss of function; Has not been previously published as pathogenic or benign to our knowledge